The following is an entry in ClinVar:

ClinVar aggregate classification (germline): Likely pathogenic. Review status: criteria provided, multiple submitters, no conflicts (2 of 4 stars). 3 submissions from 3 submitters: Likely pathogenic (3). Last evaluated 2025-07-03.

Conditions:
Dilated cardiomyopathy 1G (CMD1G). Identifiers: Orphanet 154, MedGen C1858763, MONDO:0011400, OMIM 604145.
Autosomal recessive limb-girdle muscular dystrophy type 2J (LGMDR10). Also called: Limb-girdle muscular dystrophy, type 2J; MUSCULAR DYSTROPHY, LIMB-GIRDLE, AUTOSOMAL RECESSIVE 10. Identifiers: Orphanet 140922, MedGen C1837342, MONDO:0012127, OMIM 608807.
Cardiovascular phenotype. Identifiers: MedGen CN230736.

Submissions (3):

Ambry Genetics
Classification: Likely pathogenic for Cardiovascular phenotype. Last evaluated: 2025-07-03. Review status: criteria provided, single submitter. Criteria: Ambry Variant Classification Scheme 2023. Collection method: clinical testing. Allele origin: germline.
Comment: The c.45761_45768delACACTGTG variant, located in coding exon 153 of the TTN gene, results from a deletion of 8 nucleotides at nucleotide positions 45761 to 45768, causing a translational frameshift with a predicted alternate stop codon (p.D15254Vfs*2). This exon is located in the A-band region of the N2-B isoform of the titin protein and is constitutively expressed in TTN transcripts (percent spliced in or PSI 100%). This variant is considered to be rare based on population cohorts in the Genome Aggregation Database (gnomAD). This variant is expected to result in loss of function by premature protein truncation or nonsense-mediated mRNA decay. While truncating variants in TTN are present in 1-3% of the general population, truncating variants in the A-band are the most common cause of dilated cardiomyopathy (Herman DS et al. N. Engl. J. Med., 2012 Feb;366:619-28; Roberts AM et al. Sci Transl Med, 2015 Jan;7:270ra6). TTN truncating variants encoded in constitutive exons (PSI >90%) have been found to be significantly associated with DCM regardless of their position in titin (Schafer S et al. Nat. Genet., 2017 01;49:46-53; Akhtar MM et al. Circ Heart Fail, 2020 Oct;13:e006832; Massier M et al. Clin Genet, 2025 Jan). Based on the majority of available evidence to date, this variant is likely to be pathogenic.

GeneDx
Classification: Likely pathogenic. Last evaluated: 2025-06-09. Review status: criteria provided, single submitter. Criteria: GeneDx Variant Classification Process June 2021. Collection method: clinical testing. Allele origin: germline. Affected: yes.
Comment: Frameshift variant predicted to result in protein truncation or nonsense mediated decay in a gene for which loss of function is a known mechanism of disease; Not observed at significant frequency in large population cohorts (gnomAD); Has not been previously published as pathogenic or benign to our knowledge; Located in the A-band, a region of TTN for which truncating variants are significantly associated with autosomal dominant cardiomyopathy and also with autosomal recessive skeletal myopathies (PMID: 22335739, 32778822); This variant is associated with the following publications: (PMID: 22335739, 32778822)

Labcorp Genetics (formerly Invitae), Labcorp
Classification: Likely pathogenic for Dilated cardiomyopathy 1G; Autosomal recessive limb-girdle muscular dystrophy type 2J. Last evaluated: 2023-12-20. Review status: criteria provided, single submitter. Criteria: Invitae Variant Classification Sherloc (09022015). Collection method: clinical testing. Allele origin: germline.
Comment: This sequence change creates a premature translational stop signal (p.Asp24319Valfs*2) in the TTN gene. While this is not anticipated to result in nonsense mediated decay, it is expected to create a truncated TTN protein. This variant is not present in population databases (gnomAD no frequency). This variant has not been reported in the literature in individuals affected with TTN-related conditions. ClinVar contains an entry for this variant (Variation ID: 419444). This variant is located in the A band of TTN (PMID: 25589632). Truncating variants in this region are significantly overrepresented in patients affected with dilated cardiomyopathy (PMID: 25589632). Truncating variants in this region have also been reported in individuals affected with autosomal recessive centronuclear myopathy (PMID: 23975875). In summary, the currently available evidence indicates that the variant is pathogenic, but additional data are needed to prove that conclusively. Therefore, this variant has been classified as Likely Pathogenic.

Literature cited by the submitters: PubMed 25589632 (cited by Labcorp Genetics (formerly Invitae), Labcorp); PubMed 23975875 (cited by Labcorp Genetics (formerly Invitae), Labcorp).

NM_001267550.2(TTN):c.72956_72963del (p.Asp24319fs)

Genes: TTN-AS1 (TTN antisense RNA 1; plus strand), TTN (titin; minus strand). Cytogenetic location: 2q31.2.
Variant type: Deletion.
Coding change: c.72956_72963del on transcript NM_001267550.2 (MANE Select); coding-DNA positions 72956 to 72963, 8 bases deleted (ACACTGTG; older notation c.72956_72963delACACTGTG).
Protein change: p.Asp24319fs; shifts the reading frame from aspartic acid 24319.
Molecular consequence: frameshift variant.
Genome position (GRCh38, 1-based): chr2:178,573,169-178,573,176, CACAGTGT deleted on the plus strand (ACACTGTG on the coding strand, the reverse complement: TTN is on the minus strand); deleting any 8 consecutive bases within chr2:178,573,169-178,573,180 gives the same sequence; the c. name uses the placement nearest the transcript's 3' end. VCF-style (leftmost placement, unchanged base first): chr2-178573168-ACACAGTGT-A. GRCh37 (hg19) VCF-style: chr2-179437895-ACACAGTGT-A.
Other names: c.68033_68040del, p.Asp22678fs (NM_001256850.1); c.45761_45768del, p.Asp15254fs (NM_003319.4); c.65252_65259del, p.Asp21751fs (NM_133378.4); c.46136_46143del, p.Asp15379fs (NM_133432.3); c.46337_46344del, p.Asp15446fs (NM_133437.4); c.68033_68040delACACTGTG (NM_001256850.1); c.45761_45768delACACTGTG (NM_003319.4); c.72956_72963del (NM_001267550.1); short protein forms D15446fs, D21751fs, D24319fs, D15254fs, D15379fs, D22678fs.
Identifiers: ClinVar variation 419444 (VCV000419444.9), dbSNP rs1064793876, ClinGen allele CA16617355.
Genomic context (GRCh38, chr2:178,573,168, plus strand): 5'-TTGAAATGGATGATCTGCTTGTATCCAGAACACGTGGGTTACCTGGTGGTCCAGGTTTAA[ACACAGTGT>A]CACAAGCCTTGTAAAATGGACTGGTAGGACTTGGTGCACTAATTCCAGCAGCATTTTCAG-3'